The following is an entry in ClinVar:

NM_000342.4(SLC4A1):c.829G>A (p.Asp277Asn)

Gene: SLC4A1 (solute carrier family 4 member 1 (Diego blood group); minus strand). Cytogenetic location: 17q21.31.
Variant type: single nucleotide variant.
Coding change: c.829G>A on transcript NM_000342.4 (MANE Select); coding-DNA position 829, G replaced by A.
Protein change: p.Asp277Asn; replaces aspartic acid 277 with asparagine.
Molecular consequence: missense variant.
Genome position (GRCh38, 1-based): chr17:44,259,210, C>T on the plus strand (G>A on the coding strand, the complement: SLC4A1 is on the minus strand). VCF-style: chr17-44259210-C-T. GRCh37 (hg19) VCF-style: chr17-42336578-C-T.
Other names: short protein forms D277N.
Identifiers: ClinVar variation 1436736 (VCV001436736.7), dbSNP rs138288425, ClinGen allele CA8600452.
Genomic context (GRCh38, chr17:44,259,210, plus strand): 5'-GGCCCTTCCTTACCCTCTCTGACATGAGGGTGGCAGCAGCCCGGCCAAGCTGGGTGTAAT[C>T]GATGTGGGGGGCCTCAGGTCCCAGCAACACAAAGAGGAAGCGTATAGGCACCGGCAGCTC-3'
Protein context (NP_000333.1, residues 267-287): VLLGPEAPHI[Asp277Asn]YTQLGRAAAT

ClinVar aggregate classification (germline): Uncertain significance. Review status: criteria provided, multiple submitters, no conflicts (2 of 4 stars). 2 submissions from 2 submitters: Uncertain significance (2). Last evaluated 2026-01-27.

Conditions:
BLOOD GROUP--SWANN SYSTEM (SW). Also called: SWANN BLOOD GROUP. Identifiers: MedGen C1832169, OMIM 601550.
BLOOD GROUP, WALDNER (WD). Also called: WALDNER BLOOD GROUP ANTIGEN. Identifiers: MedGen C1862191, OMIM 112010.
BLOOD GROUP--FROESE (FR). Also called: FROESE BLOOD GROUP ANTIGEN. Identifiers: MedGen C1832168, OMIM 601551.
BLOOD GROUP--WRIGHT ANTIGEN (WR). Identifiers: MedGen C1862190, OMIM 112050.
Hereditary spherocytosis type 4. Also called: SLC4A1-Related Spherocytosis. Identifiers: Orphanet 822, MedGen C2675212, MONDO:0012981, OMIM 612653.
BLOOD GROUP--DIEGO SYSTEM (DI). Identifiers: MedGen C1292286, OMIM 110500.
Cryohydrocytosis. Also called: STOMATOCYTOSIS, COLD-SENSITIVE; CRYOHYDROCYTOSIS DUE TO BAND 3 HEMEL; CRYOHYDROCYTOSIS DUE TO BAND 3 HURSTPIERPOINT; CRYOHYDROCYTOSIS DUE TO BAND 3 BLACKBURN; Hereditary cryohydrocytosis with normal stomatin. Identifiers: Orphanet 398088, MedGen C1861453, MONDO:0008494, OMIM 185020.
Autosomal dominant distal renal tubular acidosis (DRTA1). Also called: RENAL TUBULAR ACIDOSIS, DISTAL, 1; RTA, CLASSIC TYPE; RTA, DISTAL TYPE, AUTOSOMAL DOMINANT; RTA, GRADIENT TYPE; Renal Tubular Acidosis, Type I. Identifiers: Orphanet 93608, MedGen CN280572, MONDO:0008368, OMIM 179800.
Renal tubular acidosis, distal, 4, with hemolytic anemia. Also called: Renal Tubular Acidosis, Distal, with Hemolytic Anemia. Identifiers: Orphanet 93610, MedGen C5436235, MONDO:0012700, OMIM 611590.
Southeast Asian ovalocytosis. Also called: HE, STOMATOCYTIC; Elliptocytosis 4; Stomatocytic elliptocytosis, hereditary; Ovalocytosis, Malaysian-Melanesian-Filipino type. Identifiers: Orphanet 98868, MedGen C1862322, MONDO:0008165, OMIM 166900.
Malaria, susceptibility to. Identifiers: Orphanet 673, MedGen C1970028, MONDO:0021024, OMIM 611162.

Allele frequency attached by ClinVar (database versions not stated): ESP Exome Variant Server 0.00008; TOPMed 0.00001; ExAC 0.00003; gnomAD exomes 0.00001.
gnomAD v4.1: 9 of 1,614,022 alleles (0.00056%); highest among the groups gnomAD compares: Middle Eastern, 0.017%; no homozygotes.

Submissions (2):

Labcorp Genetics (formerly Invitae), Labcorp
Classification: Uncertain significance. Last evaluated: 2026-01-27. Review status: criteria provided, single submitter. Criteria: Invitae Variant Classification Sherloc (09022015). Collection method: clinical testing. Allele origin: germline.
Comment: This sequence change replaces aspartic acid, which is acidic and polar, with asparagine, which is neutral and polar, at codon 277 of the SLC4A1 protein (p.Asp277Asn). This variant is present in population databases (rs138288425, gnomAD 0.006%). This variant has not been reported in the literature in individuals affected with SLC4A1-related conditions. ClinVar contains an entry for this variant (Variation ID: 1436736). Invitae Evidence Modeling of protein sequence and biophysical properties (such as structural, functional, and spatial information, amino acid conservation, physicochemical variation, residue mobility, and thermodynamic stability) indicates that this missense variant is not expected to disrupt SLC4A1 protein function with a negative predictive value of 80%. In summary, the available evidence is currently insufficient to determine the role of this variant in disease. Therefore, it has been classified as a Variant of Uncertain Significance.

Fulgent Genetics
Classification: Uncertain significance for BLOOD GROUP--DIEGO SYSTEM; BLOOD GROUP, WALDNER; BLOOD GROUP--WRIGHT ANTIGEN; Southeast Asian ovalocytosis; Autosomal dominant distal renal tubular acidosis; Cryohydrocytosis; BLOOD GROUP--SWANN SYSTEM; BLOOD GROUP--FROESE; Malaria, susceptibility to; Renal tubular acidosis, distal, 4, with hemolytic anemia; Hereditary spherocytosis type 4. Last evaluated: 2022-03-02. Review status: criteria provided, single submitter. Criteria: ACMG Guidelines, 2015. Collection method: clinical testing. Allele origin: unknown.